The following is an entry in ClinVar:

NM_152564.5(VPS13B):c.11591T>C (p.Leu3864Pro)

Gene: VPS13B (vacuolar protein sorting 13 homolog B; plus strand). Cytogenetic location: 8q22.2.
Variant type: single nucleotide variant.
Coding change: c.11591T>C on transcript NM_152564.5 (MANE Select); coding-DNA position 11591, T replaced by C.
Protein change: p.Leu3864Pro; replaces leucine 3864 with proline.
Molecular consequence: missense variant.
Genome position (GRCh38, 1-based): chr8:99,871,543, T>C. VCF-style: chr8-99871543-T-C. GRCh37 (hg19) VCF-style: chr8-100883771-T-C.
Other names: c.11666T>C, p.Leu3889Pro (NM_017890.5); short protein forms L3864P, L3889P.
Identifiers: ClinVar variation 4796603 (VCV004796603.1).
Genomic context (GRCh38, chr8:99,871,543, plus strand): 5'-ACATGGCCCTGGACGTGGTTCTGGTGAGGGGCTCAGGCCAGGAGCATGAAGGGTGCTTGC[T>C]GCTGACATCAGAAGTGCTCTTCGTGGTGAGTGTCAGTGAGGACACACAGCAGCAGGCCTT-3'
Protein context (NP_689777.3, residues 3854-3874): GSGQEHEGCL[Leu3864Pro]LTSEVLFVVS

ClinVar aggregate classification (germline): Uncertain significance (1 of 4 stars; one submission).

Conditions:
Cohen syndrome (COH1). Also called: PEPPER SYNDROME; Cutis verticis gyrata, retinitis pigmentosa, and sensorineural deafness. Identifiers: Orphanet 193, MedGen C0265223, MONDO:0008999, OMIM 216550.

Submission:

Juno Genomics, Hangzhou Juno Genomics, Inc
Classification: Uncertain significance for Cohen syndrome. Review status: criteria provided, single submitter. Criteria: ACMG Guidelines, 2015. Collection method: clinical testing. Allele origin: germline. Affected: yes.
Comment: Absent from controls (or at extremely low frequency if recessive) in Genome Aggregation Database, Exome Sequencing Project, 1000 Genomes Project, or Exome Aggregation Consortium.;Multiple lines of computational evidence support a deleterious effect on the gene or gene product (conservation, evolutionary, splicing impact, etc).;For recessive disorders, detected in trans with a pathogenic variant.